The following is an entry in ClinVar:

ClinVar aggregate classification (germline): Uncertain significance (1 of 4 stars; one submission).

Submission:

Labcorp Genetics (formerly Invitae), Labcorp
Classification: Uncertain significance. Last evaluated: 2024-11-05. Review status: criteria provided, single submitter. Criteria: Invitae Variant Classification Sherloc (09022015). Collection method: clinical testing. Allele origin: germline.
Comment: This sequence change falls in intron 8 of the DRAM2 gene. It does not directly change the encoded amino acid sequence of the DRAM2 protein. Information on the frequency of this variant in the gnomAD database is not available, as this variant may be reported differently in the database. This variant has not been reported in the literature in individuals affected with DRAM2-related conditions. ClinVar contains an entry for this variant (Variation ID: 1010211). In summary, the available evidence is currently insufficient to determine the role of this variant in disease. Therefore, it has been classified as a Variant of Uncertain Significance.

NM_001349884.2(DRAM2):c.693+13_693+14delinsGG

Gene: DRAM2 (DNA damage regulated autophagy modulator 2; minus strand). Cytogenetic location: 1p13.3.
Variant type: Indel.
Coding change: c.693+13_693+14delinsGG on transcript NM_001349884.2 (MANE Select); bases 13 to 14 of the intron after coding-DNA position 693, AA replaced by GG.
Molecular consequence: intron variant.
Genome position (GRCh38, 1-based): chr1:111,118,791-111,118,792, TT replaced by CC on the plus strand (AA replaced by GG on the coding strand, the reverse complement: DRAM2 is on the minus strand). VCF-style: chr1-111118791-TT-CC. GRCh37 (hg19) VCF-style: chr1-111661413-TT-CC.
Other names: c.693+13_693+14delinsGG (NM_001349885.2, NM_178454.6, NM_001349882.2 and 1 more transcripts); c.303+13_303+14delinsGG (NM_001349889.2, NM_001349890.2, NM_001349891.2 and 2 more transcripts); c.423+13_423+14delinsGG (NM_001349887.2, NM_001349886.2, NM_001349888.2).
Identifiers: ClinVar variation 1010211 (VCV001010211.5), dbSNP rs1649412163, ClinGen allele CA1188788649.